The following is an entry in ClinVar:

NM_153240.5(NPHP3):c.3578T>C (p.Leu1193Pro)

Genes: NPHP3 (nephrocystin 3; minus strand), NPHP3-ACAD11 (NPHP3-ACAD11 readthrough (NMD candidate); minus strand). Cytogenetic location: 3q22.1.
Variant type: single nucleotide variant.
Coding change: c.3578T>C on transcript NM_153240.5 (MANE Select); coding-DNA position 3578, T replaced by C.
Protein change: p.Leu1193Pro; replaces leucine 1193 with proline.
Molecular consequence: missense variant. On other transcripts: non-coding transcript variant (1).
Genome position (GRCh38, 1-based): chr3:132,683,517, A>G on the plus strand (T>C on the coding strand, the complement: NPHP3 is on the minus strand). VCF-style: chr3-132683517-A-G. GRCh37 (hg19) VCF-style: chr3-132402361-A-G.
Other names: short protein forms L1193P.
Identifiers: ClinVar variation 2110073 (VCV002110073.4), dbSNP rs2530377301, ClinGen allele CA354578686.

ClinVar aggregate classification (germline): Uncertain significance (1 of 4 stars; one submission).

Conditions:
Nephronophthisis. Also called: Juvenile Nephronophthisis. Identifiers: Orphanet 655, MedGen C0687120, MONDO:0019005, HP:0000090.

Submission:

Labcorp Genetics (formerly Invitae), Labcorp
Classification: Uncertain significance for Nephronophthisis. Last evaluated: 2023-05-23. Review status: criteria provided, single submitter. Criteria: Invitae Variant Classification Sherloc (09022015). Collection method: clinical testing. Allele origin: germline.
Comment: In summary, the available evidence is currently insufficient to determine the role of this variant in disease. Therefore, it has been classified as a Variant of Uncertain Significance. Advanced modeling of protein sequence and biophysical properties (such as structural, functional, and spatial information, amino acid conservation, physicochemical variation, residue mobility, and thermodynamic stability) performed at Invitae indicates that this missense variant is not expected to disrupt NPHP3 protein function. ClinVar contains an entry for this variant (Variation ID: 2110073). This variant has not been reported in the literature in individuals affected with NPHP3-related conditions. This variant is not present in population databases (gnomAD no frequency). This sequence change replaces leucine, which is neutral and non-polar, with proline, which is neutral and non-polar, at codon 1193 of the NPHP3 protein (p.Leu1193Pro).